The following is an entry in ClinVar:

ClinVar aggregate classification (germline): Uncertain significance (1 of 4 stars; one submission).

Submission:

Labcorp Genetics (formerly Invitae), Labcorp
Classification: Uncertain significance. Last evaluated: 2025-12-21. Review status: criteria provided, single submitter. Criteria: Invitae Variant Classification Sherloc (09022015). Collection method: clinical testing. Allele origin: germline.
Comment: This sequence change replaces asparagine, which is neutral and polar, with isoleucine, which is neutral and non-polar, at codon 450 of the SLC12A6 protein (p.Asn450Ile). This variant is not present in population databases (gnomAD no frequency). This variant has not been reported in the literature in individuals affected with SLC12A6-related conditions. Invitae Evidence Modeling of protein sequence and biophysical properties (such as structural, functional, and spatial information, amino acid conservation, physicochemical variation, residue mobility, and thermodynamic stability) indicates that this missense variant is not expected to disrupt SLC12A6 protein function with a negative predictive value of 80%. In summary, the available evidence is currently insufficient to determine the role of this variant in disease. Therefore, it has been classified as a Variant of Uncertain Significance.

NM_001365088.1(SLC12A6):c.1349A>T (p.Asn450Ile)

Gene: SLC12A6 (solute carrier family 12 member 6; minus strand). Cytogenetic location: 15q14.
Variant type: single nucleotide variant.
Coding change: c.1349A>T on transcript NM_001365088.1 (MANE Select); coding-DNA position 1349, A replaced by T.
Protein change: p.Asn450Ile; replaces asparagine 450 with isoleucine.
Molecular consequence: missense variant.
Genome position (GRCh38, 1-based): chr15:34,251,042, T>A on the plus strand (A>T on the coding strand, the complement: SLC12A6 is on the minus strand). VCF-style: chr15-34251042-T-A. GRCh37 (hg19) VCF-style: chr15-34543243-T-A.
Other names: c.1172A>T, p.Asn391Ile (NM_001042494.2, NM_001042495.2); c.1322A>T, p.Asn441Ile (NM_001042496.2); c.1304A>T, p.Asn435Ile (NM_001042497.2); c.1196A>T, p.Asn399Ile (NM_005135.2); c.1349A>T, p.Asn450Ile (NM_133647.2); short protein forms N450I, N391I, N441I, N399I, N435I.
Identifiers: ClinVar variation 4741682 (VCV004741682.1).